The following is an entry in ClinVar:

ClinVar aggregate classification (germline): Pathogenic (1 of 4 stars; one submission).

Conditions:
Hereditary spastic paraplegia 49 (HSAN9). Also called: Spastic paraplegia 49, autosomal recessive; NEUROPATHY, HEREDITARY SENSORY AND AUTONOMIC, TYPE IX, WITH DEVELOPMENTAL DELAY; TECPR2-Related Hereditary Sensory and Autonomic Neuropathy with Intellectual Disability. Identifiers: Orphanet 320385, MedGen C5190860, MONDO:0014016, OMIM 615031.

Submission:

Myriad Genetics, Inc.
Classification: Pathogenic for Hereditary spastic paraplegia 49. Last evaluated: 2025-10-23. Review status: criteria provided, single submitter. Criteria: Myriad Autosomal Dominant, Autosomal Recessive and X-Linked Classification Criteria (2023). Collection method: clinical testing. Allele origin: unknown.
Comment: NM_014844.3(TECPR2):c.4031_4032delCC(P1344Rfs*22) is a frameshift variant classified as pathogenic in the context of spastic paraplegia, TECPR2-related. P1344Rfs*22 has not been observed in cases with relevant disease. Relevant functional assessments of this variant are not available in the literature. P1344Rfs*22 has not been observed in referenced population frequency databases. In summary, NM_014844.3(TECPR2):c.4031_4032delCC(P1344Rfs*22) is a frameshift variant in a gene where loss of function is a known mechanism of disease and is predicted to disrupt protein function. Please note: this variant was assessed in the context of healthy population screening.

NM_014844.5(TECPR2):c.4031_4032del (p.Pro1344fs)

Gene: TECPR2 (tectonin beta-propeller repeat containing 2; plus strand). Cytogenetic location: 14q32.31.
Variant type: Deletion.
Coding change: c.4031_4032del on transcript NM_014844.5 (MANE Select); coding-DNA positions 4031 to 4032, 2 bases deleted (CC; older notation c.4031_4032delCC).
Protein change: p.Pro1344fs; shifts the reading frame from proline 1344.
Molecular consequence: frameshift variant.
Genome position (GRCh38, 1-based): chr14:102,497,669-102,497,670, CC deleted; deleting any 2 consecutive bases within chr14:102,497,667-102,497,670 gives the same sequence; the c. name uses the placement nearest the transcript's 3' end. VCF-style (leftmost placement, unchanged base first): chr14-102497666-ACC-A. GRCh37 (hg19) VCF-style: chr14-102964003-ACC-A.
Other names: short protein forms P1344fs.
Identifiers: ClinVar variation 5004240 (VCV005004240.1).
Genomic context (GRCh38, chr14:102,497,666, plus strand): 5'-CCGTGTGGGCCCGCTGTCCAAACGGAGACCTCGCCCGGCGGTACGGCGTCACAGACAAGA[ACC>A]CCGCCGGGGACTACTGGAAGAAAATTCCCGGCAGCGTGTCGTGTTTCACAGGCAGGTGCC-3'